The following is an entry in ClinVar:

ClinVar aggregate classification (germline): Uncertain significance (1 of 4 stars; one submission).

Submission:

Ambry Genetics
Classification: Uncertain significance. Last evaluated: 2026-02-15. Review status: criteria provided, single submitter. Criteria: Ambry Variant Classification Scheme 2023. Collection method: clinical testing. Allele origin: germline.
Comment: The p.P1614S variant (also known as c.4840C>T), located in coding exon 43 of the KIF1B gene, results from a C to T substitution at nucleotide position 4840. The proline at codon 1614 is replaced by serine, an amino acid with similar properties. This amino acid position is conserved. In addition, this alteration is predicted to be tolerated by in silico analysis. Based on the available evidence, the clinical significance of this variant remains unclear.

NM_001365951.3(KIF1B):c.4978C>T (p.Pro1660Ser)

Gene: KIF1B (kinesin family member 1B; plus strand). Cytogenetic location: 1p36.22.
Variant type: single nucleotide variant.
Coding change: c.4978C>T on transcript NM_001365951.3 (MANE Select); coding-DNA position 4978, C replaced by T.
Protein change: p.Pro1660Ser; replaces proline 1660 with serine.
Molecular consequence: missense variant.
Genome position (GRCh38, 1-based): chr1:10,374,347, C>T. VCF-style: chr1-10374347-C-T. GRCh37 (hg19) VCF-style: chr1-10434405-C-T.
Other names: c.4978C>T, p.Pro1660Ser (NM_001365952.1); c.4840C>T, p.Pro1614Ser (NM_015074.3); short protein forms P1614S, P1660S.
Identifiers: ClinVar variation 4844681 (VCV004844681.1).